The following is an entry in ClinVar:

NM_001205293.3(CACNA1E):c.6040_6043dup (p.Ser2015delinsThrTer)

Gene: CACNA1E (calcium voltage-gated channel subunit alpha1 E; plus strand). Cytogenetic location: 1q25.3.
Variant type: Duplication.
Coding change: c.6040_6043dup on transcript NM_001205293.3 (MANE Select); coding-DNA positions 6040 to 6043, 4 bases duplicated (CCTA; older notation c.6040_6043dupCCTA).
Protein change: p.Ser2015delinsThrTer.
Molecular consequence: nonsense.
Genome position (GRCh38, 1-based): chr1:181,794,876-181,794,879, CCTA duplicated. VCF-style (leftmost placement, unchanged base first): chr1-181794875-C-CCCTA. GRCh37 (hg19) VCF-style: chr1-181764011-C-CCCTA.
Other names: c.5911_5914dup, p.Ser1972delinsThrTer (NM_000721.4); c.5854_5857dup, p.Ser1953delinsThrTer (NM_001205294.2).
Identifiers: ClinVar variation 1314516 (VCV001314516.3), dbSNP rs2102892468, ClinGen allele CA2573051436.
Genomic context (GRCh38, chr1:181,794,875, plus strand): 5'-TCAATCGTTAATCCATACCTTGTGTTTCTCTGGGGGCTTGTATTTCCAGGTGGTGACAGA[C>CCCTA]CCTAGCTCCATGAGACGTTCATTTTCCACTATTCGGGATAAGCGTTCAAATTCCTCGTGG-3'

ClinVar aggregate classification (germline): Uncertain significance (1 of 4 stars; one submission).

Submission:

GeneDx
Classification: Uncertain significance. Last evaluated: 2023-10-27. Review status: criteria provided, single submitter. Criteria: GeneDx Variant Classification Process June 2021. Collection method: clinical testing. Allele origin: germline. Affected: yes.
Comment: Not observed at significant frequency in large population cohorts (gnomAD); Frameshift variant predicted to result in protein truncation or nonsense mediated decay in a gene or region of a gene for which loss of function is not a well-established mechanism of disease; Has not been previously published as pathogenic or benign to our knowledge